The following is an entry in ClinVar:

NM_001378120.1(MBD5):c.3754-9T>C

Gene: MBD5 (methyl-CpG binding domain protein 5; plus strand). Cytogenetic location: 2q23.1.
Variant type: single nucleotide variant.
Coding change: c.3754-9T>C on transcript NM_001378120.1 (MANE Select); 9 bases into the intron before coding-DNA position 3754, T replaced by C.
Molecular consequence: intron variant.
Genome position (GRCh38, 1-based): chr2:148,489,377, T>C. VCF-style: chr2-148489377-T-C. GRCh37 (hg19) VCF-style: chr2-149246946-T-C.
Other names: c.3055-9T>C (NM_018328.5).
Identifiers: ClinVar variation 206053 (VCV000206053.42), dbSNP rs370173652, ClinGen allele CA315764.

ClinVar aggregate classification (germline): Conflicting classifications of pathogenicity. Review status: criteria provided, conflicting classifications (1 of 4 stars). 8 submissions from 8 submitters: Uncertain significance (1); Benign (4); Likely benign (2). 1 of the submissions does not count toward it. Last evaluated 2026-02-03.

Conditions:
MBD5-related disorder. Also called: MBD5-related condition.
Intellectual developmental disorder, autosomal dominant 1. Also called: Intellectual disability, autosomal dominant 1; MBD5 Haploinsufficiency. Identifiers: Orphanet 228402, MedGen C1969562, MONDO:0007974, OMIM 156200.

Allele frequency attached by ClinVar (database versions not stated): gnomAD exomes 0.00016 and 0.00038; ExAC 0.00035; 1000 Genomes Project 30x 0.00062; 1000 Genomes Project 0.00080; gnomAD 0.00092 and 0.00100; TOPMed 0.00135; ESP Exome Variant Server 0.00146.
gnomAD v4.1: 390 of 1,614,144 alleles (0.024%); highest among the groups gnomAD compares: African/African-American, 0.32%; no homozygotes.

Submissions (8):

Labcorp Genetics (formerly Invitae), Labcorp
Classification: Benign for Intellectual developmental disorder, autosomal dominant 1. Last evaluated: 2026-02-03. Review status: criteria provided, single submitter. Criteria: Invitae Variant Classification Sherloc (09022015). Collection method: clinical testing. Allele origin: germline.

Blueprint Genetics
Classification: Likely benign. Last evaluated: 2024-10-24. Review status: criteria provided, single submitter. Criteria: ACMG Guidelines, 2015. Collection method: clinical testing. Allele origin: germline.

CeGaT Center for Human Genetics Tuebingen
Classification: Benign. Last evaluated: 2022-08-01. Review status: criteria provided, single submitter. Criteria: CeGaT Center For Human Genetics Tuebingen Variant Classification Criteria Version 2. Collection method: clinical testing. Allele origin: germline. Affected: yes. Observed: 1 variant allele.
Comment: MBD5: BS1, BS2

Center for Genomics, Ann and Robert H. Lurie Children's Hospital of Chicago
Classification: Uncertain significance for Intellectual developmental disorder, autosomal dominant 1. Last evaluated: 2021-03-30. Review status: criteria provided, single submitter. Criteria: ACMG Guidelines, 2015. Collection method: clinical testing. Allele origin: germline.
Comment: MBD5 NM_018328 exon 12 c.3055-9T>C: This variant has not been reported in the literature but is present in 0.3% (78/24026) of African individuals in the Genome Aggregation Database. This variant is present in ClinVar (Variation ID:206053). Evolutionary conservation and computational predictive tools for this variant are limited or unavailable. Although this variant occurs in the splice region, it is not predicted to alter the consensus splice sequence and may not result in an altered protein. However, further studies are needed to understand its impact. In summary, data on this variant is insufficient for disease classification. Therefore, the clinical significance of this variant is uncertain.

Athena Diagnostics
Classification: Benign. Last evaluated: 2016-12-15. Review status: criteria provided, single submitter. Criteria: Athena Diagnostics Criteria. Collection method: clinical testing. Allele origin: germline.

Eurofins Ntd Llc (ga)
Classification: Likely benign. Last evaluated: 2016-01-29. Review status: criteria provided, single submitter. Criteria: EGL Classification Definitions 2015. Collection method: clinical testing. Allele origin: germline. Observed: 1 variant allele, 1 heterozygote.

GeneDx
Classification: Benign. Last evaluated: 2014-10-02. Review status: criteria provided, single submitter. Criteria: GeneDx Variant Classification (06012015). Collection method: clinical testing. Allele origin: germline. Affected: yes.
Comment: This variant is considered likely benign or benign based on one or more of the following criteria: it is a conservative change, it occurs at a poorly conserved position in the protein, it is predicted to be benign by multiple in silico algorithms, and/or has population frequency not consistent with disease.

PreventionGenetics, part of Exact Sciences
Classification: Likely benign for MBD5-related condition. Last evaluated: 2019-09-09. Review status: no assertion criteria provided. Collection method: clinical testing. Allele origin: germline. Not counted in ClinVar's aggregate classification.
Comment: This variant is classified as likely benign based on ACMG/AMP sequence variant interpretation guidelines (Richards et al. 2015 PMID: 25741868, with internal and published modifications).